The following is an entry in ClinVar:

ClinVar aggregate classification (germline): Likely benign (0 of 4 stars; one submission).

Conditions:
APOO-related disorder. Also called: APOO-related condition.

Allele frequency attached by ClinVar (database versions not stated): 1000 Genomes Project 30x 0.00021; 1000 Genomes Project 0.00026; ExAC 0.00034; gnomAD 0.00059; TOPMed 0.00089.
gnomAD v4.1: 211 of 1,187,332 alleles (0.018%); highest among the groups gnomAD compares: Admixed American, 0.46%; 2 homozygotes.

Submission:

PreventionGenetics, part of Exact Sciences
Classification: Likely benign for APOO-related condition. Last evaluated: 2023-05-18. Review status: no assertion criteria provided. Collection method: clinical testing. Allele origin: germline.
Comment: This variant is classified as likely benign based on ACMG/AMP sequence variant interpretation guidelines (Richards et al. 2015 PMID: 25741868, with internal and published modifications).

NM_024122.5(APOO):c.43A>T (p.Ser15Cys)

Gene: APOO (apolipoprotein O; minus strand). Cytogenetic location: Xp22.11.
Variant type: single nucleotide variant.
Coding change: c.43A>T on transcript NM_024122.5 (MANE Select); coding-DNA position 43, A replaced by T.
Protein change: p.Ser15Cys; replaces serine 15 with cysteine.
Molecular consequence: missense variant. On other transcripts: non-coding transcript variant (1).
Genome position (GRCh38, 1-based): chrX:23,880,919, T>A on the plus strand (A>T on the coding strand, the complement: APOO is on the minus strand). VCF-style: chrX-23880919-T-A. GRCh37 (hg19) VCF-style: chrX-23899036-T-A.
Other names: short protein forms S15C.
Identifiers: ClinVar variation 3053567 (VCV003053567.2), dbSNP rs200861085, ClinGen allele CA10370207.
Genomic context (GRCh38, chrX:23,880,919, plus strand): 5'-CGGAATTTTTGGGAGGTGAGTCCTTTTTTGGTGCTGCATAGACTTTGAAGGTGAGCAAGC[T>A]CAGGCTGGCTGGCCCCACGGACCTCTGAATTACCTGAAATGCAGAAGCAATCTTAAACCT-3'
Protein context (NP_077027.1, residues 5-25): IQRSVGPASL[Ser15Cys]LLTFKVYAAP